The following is an entry in ClinVar:

NM_006295.3(VARS1):c.2954G>A (p.Arg985His)

Gene: VARS1 (valyl-tRNA synthetase 1; minus strand). Cytogenetic location: 6p21.33.
Variant type: single nucleotide variant.
Coding change: c.2954G>A on transcript NM_006295.3 (MANE Select); coding-DNA position 2954, G replaced by A.
Protein change: p.Arg985His; replaces arginine 985 with histidine.
Molecular consequence: missense variant.
Genome position (GRCh38, 1-based): chr6:31,780,125, C>T on the plus strand (G>A on the coding strand, the complement: VARS1 is on the minus strand). VCF-style: chr6-31780125-C-T. GRCh37 (hg19) VCF-style: chr6-31747902-C-T.
Other names: short protein forms R985H.
Identifiers: ClinVar variation 1196166 (VCV001196166.3), dbSNP rs758873284, ClinGen allele CA3722794.

ClinVar aggregate classification (germline): Likely pathogenic (1 of 4 stars; one submission).

Allele frequency attached by ClinVar (database versions not stated): gnomAD exomes 0.00001; ExAC 0.00002.

Submission:

GeneDx
Classification: Likely pathogenic. Last evaluated: 2024-08-05. Review status: criteria provided, single submitter. Criteria: GeneDx Variant Classification Process June 2021. Collection method: clinical testing. Allele origin: germline. Affected: yes.
Comment: Not observed at a significant frequency in large population cohorts (gnomAD); In silico analysis supports that this missense variant has a deleterious effect on protein structure/function; Has not been previously published as pathogenic or benign to our knowledge